The following is an entry in ClinVar:

NM_006302.3(MOGS):c.876C>A (p.Ala292=)

Gene: MOGS (mannosyl-oligosaccharide glucosidase; minus strand). Cytogenetic location: 2p13.1.
Variant type: single nucleotide variant.
Coding change: c.876C>A on transcript NM_006302.3 (MANE Select); coding-DNA position 876, C replaced by A.
Protein change: p.Ala292=; no amino-acid change (alanine 292 retained).
Molecular consequence: synonymous variant.
Genome position (GRCh38, 1-based): chr2:74,462,913, G>T on the plus strand (C>A on the coding strand, the complement: MOGS is on the minus strand). VCF-style: chr2-74462913-G-T. GRCh37 (hg19) VCF-style: chr2-74690040-G-T.
Other names: c.558C>A, p.Ala186= (NM_001146158.2); c.876C>A, p.Ala292= (LRG_1226t1).
Identifiers: ClinVar variation 534246 (VCV000534246.14), dbSNP rs531051730, ClinGen allele CA1724899.

ClinVar aggregate classification (germline): Benign/Likely benign. Review status: criteria provided, multiple submitters, no conflicts (2 of 4 stars). 3 submissions from 3 submitters: Benign (1); Likely benign (1). 1 of the submissions does not count toward it. Last evaluated 2025-10-27.

Conditions:
MOGS-related disorder. Also called: MOGS-related condition.
MOGS-congenital disorder of glycosylation. Also called: CDG 2B; MOGS-CDG; CDG IIb; GLUCOSIDASE I DEFICIENCY. Identifiers: Orphanet 79330, MedGen C1853736, MONDO:0011629, OMIM 606056.

Allele frequency attached by ClinVar (database versions not stated): gnomAD below 0.00001 and 0.00011; TOPMed 0.00002; 1000 Genomes Project 30x 0.00016; 1000 Genomes Project 0.00020.
gnomAD v4.1: 356 of 1,614,164 alleles (0.022%); highest among the groups gnomAD compares: South Asian, 0.36%; 2 homozygotes.

Submissions (3):

Labcorp Genetics (formerly Invitae), Labcorp
Classification: Benign for MOGS-congenital disorder of glycosylation. Last evaluated: 2025-10-27. Review status: criteria provided, single submitter. Criteria: Invitae Variant Classification Sherloc (09022015). Collection method: clinical testing. Allele origin: germline.

Blueprint Genetics
Classification: Likely benign. Last evaluated: 2024-07-23. Review status: criteria provided, single submitter. Criteria: ACMG Guidelines, 2015. Collection method: clinical testing. Allele origin: germline.

PreventionGenetics, part of Exact Sciences
Classification: Likely benign for MOGS-related condition. Last evaluated: 2020-03-03. Review status: no assertion criteria provided. Collection method: clinical testing. Allele origin: germline. Not counted in ClinVar's aggregate classification.
Comment: This variant is classified as likely benign based on ACMG/AMP sequence variant interpretation guidelines (Richards et al. 2015 PMID: 25741868, with internal and published modifications).